The following is an entry in ClinVar:

ClinVar aggregate classification (oncogenicity): Uncertain significance (1 of 4 stars; one submission).

Conditions:
Inflammatory myofibroblastic tumor of the urinary bladder.

Submission:

Department of Urology, Affiliated Hospital of Jining Medical University
Classification: Uncertain significance for Inflammatory myofibroblastic tumor of the urinary bladder. Last evaluated: 2026-08-17. Review status: criteria provided, single submitter. Criteria: ClinGen/CGC/VICC Guidelines for Oncogenicity, 2022. Collection method: research. Allele origin: somatic. Affected: yes. Observed: 1 variant allele.
Comment: CNVkit detected a PKD1 copy-number loss segment with log2 ratio -0.543335, copy number 1, depth 186.507 and 33 segment-level probes. This CNV was highlighted by annotation-based prioritization but has not been established as a recurrent driver in urinary bladder IMT.

Reference genome used for genomic analysis: hg19/GRCh37.

GRCh37/hg19 16p13.3(chr16:2147416-2164675)x1

Gene: PKD1 (polycystin 1, transient receptor potential channel interacting; minus strand). Cytogenetic location: 16p13.3.
Variant type: copy number loss.
Change: copy number 1 (one copy instead of two) of chr16:2,147,416-2,164,675 (17.3 kb, GRCh37 coordinates, 1-based), cytogenetic band 16p13.3.
Identifiers: ClinVar variation 4886763 (VCV004886763.1).